The following is an entry in ClinVar:

ClinVar aggregate classification (germline): Benign/Likely benign. Review status: criteria provided, multiple submitters, no conflicts (2 of 4 stars). 3 submissions from 3 submitters: Benign (1); Likely benign (2). Last evaluated 2025-08-03.

Conditions:
Pheochromocytoma/paraganglioma syndrome 1. Also called: PARAGANGLIOMAS, FAMILIAL NONCHROMAFFIN, 1; PGL 1; Paragangliomas familial 1; SDHD-Related Hereditary Paraganglioma-Pheochromocytoma Syndrome; PARAGANGLIOMATA; Paragangliomas 1. Identifiers: Orphanet 29072, MedGen C3494181, MONDO:0008192, OMIM 168000.
Pheochromocytoma. Also called: MAX-Related Hereditary Paraganglioma-Pheochromocytoma Syndrome. Identifiers: Orphanet 29072, MedGen C0031511, MONDO:0008233, OMIM 171300, HP:0002666.
Carney-Stratakis syndrome. Also called: PARAGANGLIOMA AND GASTROINTESTINAL STROMAL TUMOR. Identifiers: Orphanet 97286, MedGen C1847319, MONDO:0011740, OMIM 606864.
Cowden syndrome 3 (CWS3). Identifiers: Orphanet 201, MedGen CN166604, MONDO:0014045.
Paragangliomas with sensorineural hearing loss. Identifiers: MedGen C1868633.
Hereditary cancer-predisposing syndrome. Also called: Neoplastic Syndromes, Hereditary; Hereditary neoplastic syndrome; Tumor predisposition; Hereditary Cancer Syndrome. Identifiers: Orphanet 140162, MedGen C0027672, MeSH D009386, MONDO:0015356.

Allele frequency attached by ClinVar (database versions not stated): gnomAD exomes below 0.00001; ExAC 0.00001; gnomAD 0.00001; 1000 Genomes Project 0.00020; 1000 Genomes Project 30x 0.00031.
gnomAD v4.1: 2 of 1,608,526 alleles (0.00012%); highest among the groups gnomAD compares: Non-Finnish European, 0.00017%; no homozygotes.

Submissions (3):

Labcorp Genetics (formerly Invitae), Labcorp
Classification: Likely benign for Carney-Stratakis syndrome; Paragangliomas with sensorineural hearing loss; Pheochromocytoma; Cowden syndrome 3. Last evaluated: 2025-08-03. Review status: criteria provided, single submitter. Criteria: Invitae Variant Classification Sherloc (09022015). Collection method: clinical testing. Allele origin: germline.

Myriad Genetics, Inc.
Classification: Benign for Pheochromocytoma/paraganglioma syndrome 1. Last evaluated: 2025-03-17. Review status: criteria provided, single submitter. Criteria: Myriad Autosomal Dominant, Autosomal Recessive and X-Linked Classification Criteria (2023). Collection method: clinical testing. Allele origin: unknown.
Comment: This variant is considered benign. This variant is a silent/synonymous amino acid change and it is not expected to impact splicing.

Ambry Genetics
Classification: Likely benign for Hereditary cancer-predisposing syndrome. Last evaluated: 2019-12-07. Review status: criteria provided, single submitter. Criteria: Ambry Variant Classification Scheme 2023. Collection method: clinical testing. Allele origin: germline.

NM_003002.4(SDHD):c.57G>A (p.Leu19=)

Gene: SDHD (succinate dehydrogenase complex subunit D; plus strand). Cytogenetic location: 11q23.1.
Variant type: single nucleotide variant.
Coding change: c.57G>A on transcript NM_003002.4 (MANE Select); coding-DNA position 57, G replaced by A.
Protein change: p.Leu19=; no amino-acid change (leucine 19 retained).
Molecular consequence: synonymous variant. On other transcripts: non-coding transcript variant (1), intron variant (1).
Genome position (GRCh38, 1-based): chr11:112,087,861, G>A. VCF-style: chr11-112087861-G-A. GRCh37 (hg19) VCF-style: chr11-111958585-G-A.
Other names: c.57G>A, p.Leu19= (NM_001276503.2, NM_001276506.2); c.52+902G>A (NM_001276504.2).
Identifiers: ClinVar variation 533797 (VCV000533797.16), dbSNP rs560625389, ClinGen allele CA071538.